The following is an entry in ClinVar:

ClinVar aggregate classification (germline): Pathogenic (1 of 4 stars; one submission).

Conditions:
Thrombophilia due to protein S deficiency, autosomal recessive (THPH6). Identifiers: Orphanet 743, MedGen C3281092, MONDO:0013791, OMIM 614514. Disease mechanism: loss of function.

Allele frequency attached by ClinVar (database versions not stated): gnomAD exomes below 0.00001.
gnomAD v4.1: 3 of 1,613,952 alleles (0.00019%); highest among the groups gnomAD compares: Non-Finnish European, 0.00025%; no homozygotes.

Submission:

Labcorp Genetics (formerly Invitae), Labcorp
Classification: Pathogenic for Thrombophilia due to protein S deficiency, autosomal recessive. Last evaluated: 2022-06-14. Review status: criteria provided, single submitter. Criteria: Invitae Variant Classification Sherloc (09022015). Collection method: clinical testing. Allele origin: germline.
Comment: This premature translational stop signal has been observed in individual(s) with protein S deficiency (PMID: 9031443). This variant is not present in population databases (gnomAD no frequency). This sequence change creates a premature translational stop signal (p.Trp506*) in the PROS1 gene. It is expected to result in an absent or disrupted protein product. Loss-of-function variants in PROS1 are known to be pathogenic (PMID: 9241758). This variant is also known as W465X. For these reasons, this variant has been classified as Pathogenic.

Literature cited by the submitters: PubMed 9031443; PubMed 9241758.

NM_000313.4(PROS1):c.1518G>A (p.Trp506Ter)

Gene: PROS1 (protein S; minus strand). Cytogenetic location: 3q11.1.
Variant type: single nucleotide variant.
Coding change: c.1518G>A on transcript NM_000313.4 (MANE Select); coding-DNA position 1518, G replaced by A.
Protein change: p.Trp506Ter; replaces tryptophan 506 with a stop codon.
Molecular consequence: nonsense.
Genome position (GRCh38, 1-based): chr3:93,879,289, C>T on the plus strand (G>A on the coding strand, the complement: PROS1 is on the minus strand). VCF-style: chr3-93879289-C-T. GRCh37 (hg19) VCF-style: chr3-93598133-C-T.
Other names: c.1614G>A, p.Trp538Ter (NM_001314077.2); short protein forms W506*, W538*.
Identifiers: ClinVar variation 2203406 (VCV002203406.4), dbSNP rs2472107297, ClinGen allele CA353672151.